The following is an entry in ClinVar:

NM_000039.3(APOA1):c.66G>A (p.Trp22Ter)

Genes: APOA1 (apolipoprotein A1; minus strand), APOA1-AS (APOA1 antisense RNA; plus strand). Cytogenetic location: 11q23.3.
Variant type: single nucleotide variant.
Coding change: c.66G>A on transcript NM_000039.3 (MANE Select); coding-DNA position 66, G replaced by A.
Protein change: p.Trp22Ter; replaces tryptophan 22 with a stop codon.
Molecular consequence: nonsense. On other transcripts: 5 prime UTR variant (1), intron variant (2).
Genome position (GRCh38, 1-based): chr11:116,837,135, C>T on the plus strand (G>A on the coding strand, the complement: APOA1 is on the minus strand). VCF-style: chr11-116837135-C-T. GRCh37 (hg19) VCF-style: chr11-116707851-C-T.
Other names: c.66G>A, p.Trp22Ter (NM_001318017.2, NM_001318018.2, NM_001425090.1 and 1 more transcripts); c.-262G>A (NM_001425092.1); c.-128+210G>A (NM_001425091.1); c.-240-22G>A (NM_001318021.2); short protein forms W22*.
Identifiers: ClinVar variation 3619394 (VCV003619394.2).
Genomic context (GRCh38, chr11:116,837,135, plus strand): 5'-GTACACAGTGGCCAGGTCCTTCACTCGATCCCAGGGGCTCTGGGGGGGTTCATCTTGCTG[C>T]CAGAAATGCCGAGCCTGGCTCCCTGAGGGTGGGAGGGGAGACCCAGATCAGGCCAGCTGT-3'

ClinVar aggregate classification (germline): Pathogenic (1 of 4 stars; one submission).

Submission:

Labcorp Genetics (formerly Invitae), Labcorp
Classification: Pathogenic. Last evaluated: 2024-05-15. Review status: criteria provided, single submitter. Criteria: Invitae Variant Classification Sherloc (09022015). Collection method: clinical testing. Allele origin: germline.
Comment: This sequence change creates a premature translational stop signal (p.Trp22*) in the APOA1 gene. It is expected to result in an absent or disrupted protein product. Loss-of-function variants in APOA1 are known to be pathogenic (PMID: 7583566, 7981179, 8282791). This variant is not present in population databases (gnomAD no frequency). This variant has not been reported in the literature in individuals affected with APOA1-related conditions. For these reasons, this variant has been classified as Pathogenic.

Literature cited by the submitters: PubMed 7583566; PubMed 7981179; PubMed 8282791.